The following is an entry in ClinVar:

NM_005422.4(TECTA):c.545A>G (p.Asn182Ser)

Genes: TBCEL-TECTA (TBCEL-TECTA readthrough; plus strand), TECTA (tectorin alpha; plus strand). Cytogenetic location: 11q23.3.
Variant type: single nucleotide variant.
Coding change: c.545A>G on transcript NM_005422.4 (MANE Select); coding-DNA position 545, A replaced by G.
Protein change: p.Asn182Ser; replaces asparagine 182 with serine.
Molecular consequence: missense variant.
Genome position (GRCh38, 1-based): chr11:121,113,130, A>G. VCF-style: chr11-121113130-A-G. GRCh37 (hg19) VCF-style: chr11-120983839-A-G.
Other names: c.1502A>G, p.Asn501Ser (NM_001378761.1); short protein forms N182S, N501S.
Identifiers: ClinVar variation 1708667 (VCV001708667.3), dbSNP rs2496896242, ClinGen allele CA383021788.

ClinVar aggregate classification (germline): Uncertain significance (1 of 4 stars; one submission).

Submission:

GeneDx
Classification: Uncertain significance. Last evaluated: 2023-04-14. Review status: criteria provided, single submitter. Criteria: GeneDx Variant Classification Process June 2021. Collection method: clinical testing. Allele origin: germline. Affected: yes.
Comment: Reported in the heterozygous state in at least one affected individual from a family with hearing impairment, however several other variants in different genes potentially associated with hearing loss were also identified in this family (Wonkam et al., 2022); Not observed at significant frequency in large population cohorts (gnomAD); In silico analysis supports that this missense variant does not alter protein structure/function; This variant is associated with the following publications: (PMID: 21520338, 31554319, 9590290, 35440622)